The following is an entry in ClinVar:

NM_000094.4(COL7A1):c.7510C>T (p.Arg2504Cys)

Gene: COL7A1 (collagen type VII alpha 1 chain; minus strand). Cytogenetic location: 3p21.31.
Variant type: single nucleotide variant.
Coding change: c.7510C>T on transcript NM_000094.4 (MANE Select); coding-DNA position 7510, C replaced by T.
Protein change: p.Arg2504Cys; replaces arginine 2504 with cysteine.
Molecular consequence: missense variant.
Genome position (GRCh38, 1-based): chr3:48,569,891, G>A on the plus strand (C>T on the coding strand, the complement: COL7A1 is on the minus strand). VCF-style: chr3-48569891-G-A. GRCh37 (hg19) VCF-style: chr3-48607324-G-A.
Other names: short protein forms R2504C.
Identifiers: ClinVar variation 345807 (VCV000345807.13), dbSNP rs201897441, ClinGen allele CA2378463.

ClinVar aggregate classification (germline): Uncertain significance. Review status: criteria provided, multiple submitters, no conflicts (2 of 4 stars). 5 submissions from 5 submitters: Uncertain significance (4). 1 of the submissions does not count toward it. Last evaluated 2024-11-19.

Conditions:
Epidermolysis bullosa dystrophica. Also called: Dystrophic epidermolysis bullosa, Hallopeau-Siemens type (formerly); Dystrophic epidermolysis bullosa. Identifiers: Orphanet 303, MedGen C0079294, MONDO:0006543.

Allele frequency attached by ClinVar (database versions not stated): ExAC 0.00010; gnomAD exomes 0.00011; TOPMed 0.00013; gnomAD 0.00014 and 0.00015.
gnomAD v4.1: 211 of 1,613,982 alleles (0.013%); highest among the groups gnomAD compares: Middle Eastern, 0.033%; no homozygotes.

Submissions (5):

Labcorp Genetics (formerly Invitae), Labcorp
Classification: Uncertain significance. Last evaluated: 2024-11-19. Review status: criteria provided, single submitter. Criteria: Invitae Variant Classification Sherloc (09022015). Collection method: clinical testing. Allele origin: germline.
Comment: This sequence change replaces arginine, which is basic and polar, with cysteine, which is neutral and slightly polar, at codon 2504 of the COL7A1 protein (p.Arg2504Cys). This variant is present in population databases (rs201897441, gnomAD 0.03%). This variant has not been reported in the literature in individuals affected with COL7A1-related conditions. ClinVar contains an entry for this variant (Variation ID: 345807). Invitae Evidence Modeling of protein sequence and biophysical properties (such as structural, functional, and spatial information, amino acid conservation, physicochemical variation, residue mobility, and thermodynamic stability) indicates that this missense variant is expected to disrupt COL7A1 protein function with a positive predictive value of 95%. Algorithms developed to predict the effect of sequence changes on RNA splicing suggest that this variant may disrupt the consensus splice site. In summary, the available evidence is currently insufficient to determine the role of this variant in disease. Therefore, it has been classified as a Variant of Uncertain Significance.

Blueprint Genetics
Classification: Uncertain significance. Last evaluated: 2024-10-18. Review status: criteria provided, single submitter. Criteria: ACMG Guidelines, 2015. Collection method: clinical testing. Allele origin: germline.

Women's Health and Genetics/Laboratory Corporation of America, LabCorp
Classification: Uncertain significance. Last evaluated: 2024-08-31. Review status: criteria provided, single submitter. Criteria: LabCorp Variant Classification Summary - May 2015. Collection method: clinical testing. Allele origin: germline.

Illumina Laboratory Services, Illumina
Classification: Uncertain significance for Dystrophic epidermolysis bullosa. Last evaluated: 2018-01-13. Review status: criteria provided, single submitter. Criteria: ICSL Variant Classification Criteria 13 December 2019. Collection method: clinical testing. Allele origin: germline.

Natera, Inc.
Classification: Uncertain significance for Dystrophic epidermolysis bullosa. Last evaluated: 2020-08-18. Review status: no assertion criteria provided. Collection method: clinical testing. Allele origin: germline. Not counted in ClinVar's aggregate classification.